The following is an entry in ClinVar:

NM_003486.7(SLC7A5):c.690C>G (p.Asn230Lys)

Gene: SLC7A5 (solute carrier family 7 member 5; minus strand). Cytogenetic location: 16q24.2.
Variant type: single nucleotide variant.
Coding change: c.690C>G on transcript NM_003486.7 (MANE Select); coding-DNA position 690, C replaced by G.
Protein change: p.Asn230Lys; replaces asparagine 230 with lysine.
Molecular consequence: missense variant.
Genome position (GRCh38, 1-based): chr16:87,841,130, G>C on the plus strand (C>G on the coding strand, the complement: SLC7A5 is on the minus strand). VCF-style: chr16-87841130-G-C. GRCh37 (hg19) VCF-style: chr16-87874736-G-C.
Other names: short protein forms N230K.
Identifiers: ClinVar variation 780314 (VCV000780314.6), dbSNP rs1060250, ClinGen allele CA8222966.

ClinVar aggregate classification (germline): Benign. Review status: criteria provided, multiple submitters, no conflicts (2 of 4 stars). 3 submissions from 3 submitters: Benign (3). Last evaluated 2020-07-15.

Allele frequency attached by ClinVar (database versions not stated): gnomAD 0.01554 and 0.01457; TOPMed 0.01648; 1000 Genomes Project 0.01418; ExAC 0.00463; ESP Exome Variant Server 0.01754; gnomAD exomes 0.00138 and 0.00367; 1000 Genomes Project 30x 0.01405.
gnomAD v4.1: 4,298 of 1,613,624 alleles (0.27%); highest among the groups gnomAD compares: African/African-American, 5.2%; 102 homozygotes.

Submissions (3):

GeneDx
Classification: Benign. Last evaluated: 2020-07-15. Review status: criteria provided, single submitter. Criteria: GeneDx Variant Classification Process June 2021. Collection method: clinical testing. Allele origin: germline. Affected: yes.
Comment: This variant is associated with the following publications: (PMID: 31701662)

Labcorp Genetics (formerly Invitae), Labcorp
Classification: Benign. Last evaluated: 2018-05-31. Review status: criteria provided, single submitter. Criteria: Invitae Variant Classification Sherloc (09022015). Collection method: clinical testing. Allele origin: germline.

Breakthrough Genomics
Classification: Benign. Review status: criteria provided, single submitter. Criteria: ACMG Guidelines, 2015. Collection method: not provided. Allele origin: germline. Inheritance: Unknown mechanism. Affected: yes.